The following is an entry in ClinVar:

NM_032119.4(ADGRV1):c.6647G>A (p.Gly2216Glu)

Gene: ADGRV1 (adhesion G protein-coupled receptor V1; plus strand). Cytogenetic location: 5q14.3.
Variant type: single nucleotide variant.
Coding change: c.6647G>A on transcript NM_032119.4 (MANE Select); coding-DNA position 6647, G replaced by A.
Protein change: p.Gly2216Glu; replaces glycine 2216 with glutamic acid.
Molecular consequence: missense variant. On other transcripts: non-coding transcript variant (1).
Genome position (GRCh38, 1-based): chr5:90,690,017, G>A. VCF-style: chr5-90690017-G-A. GRCh37 (hg19) VCF-style: chr5-89985834-G-A.
Other names: short protein forms G2216E.
Identifiers: ClinVar variation 1409979 (VCV001409979.6), dbSNP rs2149616679, ClinGen allele CA360366723.

ClinVar aggregate classification (germline): Uncertain significance (1 of 4 stars; one submission).

Submission:

Labcorp Genetics (formerly Invitae), Labcorp
Classification: Uncertain significance. Last evaluated: 2023-07-21. Review status: criteria provided, single submitter. Criteria: Invitae Variant Classification Sherloc (09022015). Collection method: clinical testing. Allele origin: germline.
Comment: This variant has not been reported in the literature in individuals affected with ADGRV1-related conditions. In summary, the available evidence is currently insufficient to determine the role of this variant in disease. Therefore, it has been classified as a Variant of Uncertain Significance. Advanced modeling of protein sequence and biophysical properties (such as structural, functional, and spatial information, amino acid conservation, physicochemical variation, residue mobility, and thermodynamic stability) performed at Invitae indicates that this missense variant is not expected to disrupt ADGRV1 protein function. ClinVar contains an entry for this variant (Variation ID: 1409979). This variant is not present in population databases (gnomAD no frequency). This sequence change replaces glycine, which is neutral and non-polar, with glutamic acid, which is acidic and polar, at codon 2216 of the ADGRV1 protein (p.Gly2216Glu).